The following is an entry in ClinVar:

ClinVar aggregate classification (germline): Uncertain significance (1 of 4 stars; one submission).

Conditions:
Spermatogenic failure 18. Identifiers: MedGen C4539783, MONDO:0054615, OMIM 617576.
Ciliary dyskinesia, primary, 37 (CILD37). Also called: CILIARY DYSKINESIA, PRIMARY, 37, WITH OR WITHOUT SITUS INVERSUS. Identifiers: MedGen C4539798, MONDO:0033204, OMIM 617577.

gnomAD v4.1: 3 of 1,565,104 alleles (0.00019%); highest among the groups gnomAD compares: Admixed American, 0.0018%; no homozygotes.

Submission:

Labcorp Genetics (formerly Invitae), Labcorp
Classification: Uncertain significance for Ciliary dyskinesia, primary, 37; Spermatogenic failure 18. Last evaluated: 2025-11-03. Review status: criteria provided, single submitter. Criteria: Invitae Variant Classification Sherloc (09022015). Collection method: clinical testing. Allele origin: germline.
Comment: This sequence change replaces histidine, which is basic and polar, with aspartic acid, which is acidic and polar, at codon 3607 of the DNAH1 protein (p.His3607Asp). This variant is present in population databases (rs763678556, gnomAD 0.001%). This variant has not been reported in the literature in individuals affected with DNAH1-related conditions. Invitae Evidence Modeling of protein sequence and biophysical properties (such as structural, functional, and spatial information, amino acid conservation, physicochemical variation, residue mobility, and thermodynamic stability) indicates that this missense variant is expected to disrupt DNAH1 protein function with a positive predictive value of 80%. In summary, the available evidence is currently insufficient to determine the role of this variant in disease. Therefore, it has been classified as a Variant of Uncertain Significance.

NM_015512.5(DNAH1):c.10819C>G (p.His3607Asp)

Gene: DNAH1 (dynein axonemal heavy chain 1; plus strand). Cytogenetic location: 3p21.1.
Variant type: single nucleotide variant.
Coding change: c.10819C>G on transcript NM_015512.5 (MANE Select); coding-DNA position 10819, C replaced by G.
Protein change: p.His3607Asp; replaces histidine 3607 with aspartic acid.
Molecular consequence: missense variant.
Genome position (GRCh38, 1-based): chr3:52,394,657, C>G. VCF-style: chr3-52394657-C-G. GRCh37 (hg19) VCF-style: chr3-52428673-C-G.
Other names: short protein forms H3607D.
Identifiers: ClinVar variation 4792125 (VCV004792125.1).